The following is an entry in ClinVar:

NM_032119.4(ADGRV1):c.4585G>T (p.Ala1529Ser)

Gene: ADGRV1 (adhesion G protein-coupled receptor V1; plus strand). Cytogenetic location: 5q14.3.
Variant type: single nucleotide variant.
Coding change: c.4585G>T on transcript NM_032119.4 (MANE Select); coding-DNA position 4585, G replaced by T.
Protein change: p.Ala1529Ser; replaces alanine 1529 with serine.
Molecular consequence: missense variant. On other transcripts: non-coding transcript variant (1).
Genome position (GRCh38, 1-based): chr5:90,658,111, G>T. VCF-style: chr5-90658111-G-T. GRCh37 (hg19) VCF-style: chr5-89953928-G-T.
Other names: c.4585G>T (NM_032119.3); short protein forms A1529S.
Identifiers: ClinVar variation 1003599 (VCV001003599.12), dbSNP rs1314218838, ClinGen allele CA360404212.

ClinVar aggregate classification (germline): Conflicting classifications of pathogenicity. Review status: criteria provided, conflicting classifications (1 of 4 stars). 3 submissions from 3 submitters: Uncertain significance (2); Likely benign (1). Last evaluated 2025-09-23.

Conditions:
Inborn genetic diseases. Identifiers: MedGen C0950123, MeSH D030342.

Allele frequency attached by ClinVar (database versions not stated): gnomAD exomes below 0.00001; gnomAD 0.00001; TOPMed 0.00003.
gnomAD v4.1: 5 of 1,613,632 alleles (0.00031%); highest among the groups gnomAD compares: Admixed American, 0.0017%; no homozygotes.

Submissions (3):

Labcorp Genetics (formerly Invitae), Labcorp
Classification: Likely benign. Last evaluated: 2025-09-23. Review status: criteria provided, single submitter. Criteria: Invitae Variant Classification Sherloc (09022015). Collection method: clinical testing. Allele origin: germline.

Ambry Genetics
Classification: Uncertain significance for Inborn genetic diseases. Last evaluated: 2025-02-07. Review status: criteria provided, single submitter. Criteria: Ambry Variant Classification Scheme 2023. Collection method: clinical testing. Allele origin: germline.

GeneDx
Classification: Uncertain significance. Last evaluated: 2024-10-08. Review status: criteria provided, single submitter. Criteria: GeneDx Variant Classification Process June 2021. Collection method: clinical testing. Allele origin: germline. Affected: yes.
Comment: Not observed at significant frequency in large population cohorts (gnomAD); In silico analysis indicates that this missense variant does not alter protein structure/function; Has not been previously published as pathogenic or benign to our knowledge